The following is an entry in ClinVar:

NM_006017.3(PROM1):c.1234T>C (p.Tyr412His)

Gene: PROM1 (prominin 1; minus strand). Cytogenetic location: 4p15.32.
Variant type: single nucleotide variant.
Coding change: c.1234T>C on transcript NM_006017.3 (MANE Select); coding-DNA position 1234, T replaced by C.
Protein change: p.Tyr412His; replaces tyrosine 412 with histidine.
Molecular consequence: missense variant.
Genome position (GRCh38, 1-based): chr4:16,009,016, A>G on the plus strand (T>C on the coding strand, the complement: PROM1 is on the minus strand). VCF-style: chr4-16009016-A-G. GRCh37 (hg19) VCF-style: chr4-16010639-A-G.
Other names: c.1207T>C, p.Tyr403His (NM_001145847.2, NM_001145848.2, NM_001145851.2 and 4 more transcripts); c.1234T>C, p.Tyr412His (NM_001145849.2, NM_001145850.2); short protein forms Y403H, Y412H.
Identifiers: ClinVar variation 2121789 (VCV002121789.4), dbSNP rs778033427, ClinGen allele CA2866831.
Genomic context (GRCh38, chr4:16,009,016, plus strand): 5'-AATCATACTCTTCCAATGTAGGTAAATTTCTGTGGATGTAACTTTCAGTGTTATTAACAT[A>G]AACAGAGAATGCTGAGAGTATATCCTGAATAGGAAGACGCTGAGTTACATTGTCGATATC-3'
Protein context (NP_006008.1, residues 402-422): IQDILSAFSV[Tyr412His]VNNTESYIHR

ClinVar aggregate classification (germline): Uncertain significance (1 of 4 stars; one submission).

Allele frequency attached by ClinVar (database versions not stated): gnomAD exomes below 0.00001; ExAC 0.00002.
gnomAD v4.1: 3 of 1,595,706 alleles (0.00019%); highest among the groups gnomAD compares: Admixed American, 0.0017%; no homozygotes.

Submission:

Labcorp Genetics (formerly Invitae), Labcorp
Classification: Uncertain significance. Last evaluated: 2022-04-13. Review status: criteria provided, single submitter. Criteria: Invitae Variant Classification Sherloc (09022015). Collection method: clinical testing. Allele origin: germline.
Comment: In summary, the available evidence is currently insufficient to determine the role of this variant in disease. Therefore, it has been classified as a Variant of Uncertain Significance. This sequence change replaces tyrosine, which is neutral and polar, with histidine, which is basic and polar, at codon 412 of the PROM1 protein (p.Tyr412His). This variant is present in population databases (rs778033427, gnomAD 0.002%). This variant has not been reported in the literature in individuals affected with PROM1-related conditions. Algorithms developed to predict the effect of missense changes on protein structure and function are either unavailable or do not agree on the potential impact of this missense change (SIFT: "Deleterious"; PolyPhen-2: "Benign"; Align-GVGD: "Class C0").